The following is an entry in ClinVar:

NM_001387274.1(DCDC1):c.3178C>T (p.Leu1060Phe)

Gene: DCDC1 (doublecortin domain containing 1; minus strand). Cytogenetic location: 11p14.1.
Variant type: single nucleotide variant.
Coding change: c.3178C>T on transcript NM_001387274.1 (MANE Select); coding-DNA position 3178, C replaced by T.
Protein change: p.Leu1060Phe; replaces leucine 1060 with phenylalanine.
Molecular consequence: missense variant. On other transcripts: 5 prime UTR variant (1).
Genome position (GRCh38, 1-based): chr11:30,920,891, G>A on the plus strand (C>T on the coding strand, the complement: DCDC1 is on the minus strand). VCF-style: chr11-30920891-G-A. GRCh37 (hg19) VCF-style: chr11-30942438-G-A.
Other names: NM_001350255.1:c.2035C>T; c.3178C>T, p.Leu1060Phe (NM_001367979.1); c.-69C>T (NM_001387275.1); c.499C>T, p.Leu167Phe (NM_020869.4); short protein forms L1060F, L167F.
Identifiers: ClinVar variation 3041278 (VCV003041278.2), dbSNP rs143428541, ClinGen allele CA5931840.

ClinVar aggregate classification (germline): Benign (0 of 4 stars; one submission).

Conditions:
DCDC1-related disorder. Also called: DCDC1-related condition.

Allele frequency attached by ClinVar (database versions not stated): ExAC 0.00227; 1000 Genomes Project 0.00459; 1000 Genomes Project 30x 0.00484; gnomAD 0.00606; TOPMed 0.00694; ESP Exome Variant Server 0.00861.
gnomAD v4.1: 1,780 of 1,613,022 alleles (0.11%); highest among the groups gnomAD compares: African/African-American, 2.1%; 10 homozygotes.

Submission:

PreventionGenetics, part of Exact Sciences
Classification: Benign for DCDC1-related condition. Last evaluated: 2019-06-04. Review status: no assertion criteria provided. Collection method: clinical testing. Allele origin: germline.
Comment: This variant is classified as benign based on ACMG/AMP sequence variant interpretation guidelines (Richards et al. 2015 PMID: 25741868, with internal and published modifications).